The following is an entry in ClinVar:

NM_000400.4(ERCC2):c.1138C>T (p.Arg380Trp)

Gene: ERCC2 (ERCC excision repair 2, TFIIH core complex helicase subunit; minus strand). Cytogenetic location: 19q13.32.
Variant type: single nucleotide variant.
Coding change: c.1138C>T on transcript NM_000400.4 (MANE Select); coding-DNA position 1138, C replaced by T.
Protein change: p.Arg380Trp; replaces arginine 380 with tryptophan.
Molecular consequence: missense variant.
Genome position (GRCh38, 1-based): chr19:45,361,623, G>A on the plus strand (C>T on the coding strand, the complement: ERCC2 is on the minus strand). VCF-style: chr19-45361623-G-A. GRCh37 (hg19) VCF-style: chr19-45864881-G-A.
Other names: c.1066C>T, p.Arg356Trp (NM_001130867.2); short protein forms R380W, R356W.
Identifiers: ClinVar variation 1730356 (VCV001730356.3), dbSNP rs756071720, ClinGen allele CA9513492.

ClinVar aggregate classification (germline): Uncertain significance (1 of 4 stars; one submission).

Conditions:
Inborn genetic diseases. Identifiers: MedGen C0950123, MeSH D030342.

Allele frequency attached by ClinVar (database versions not stated): gnomAD exomes below 0.00001; ExAC 0.00001.
gnomAD v4.1: 4 of 1,613,714 alleles (0.00025%); highest among the groups gnomAD compares: Non-Finnish European, 0.00034%; no homozygotes.

Submission:

Ambry Genetics
Classification: Uncertain significance for Inborn genetic diseases. Last evaluated: 2024-08-04. Review status: criteria provided, single submitter. Criteria: Ambry Variant Classification Scheme 2023. Collection method: clinical testing. Allele origin: germline.
Comment: The p.R380W variant (also known as c.1138C>T), located in coding exon 12 of the ERCC2 gene, results from a C to T substitution at nucleotide position 1138. The arginine at codon 380 is replaced by tryptophan, an amino acid with dissimilar properties. This amino acid position is conserved. In addition, the in silico prediction for this alteration is inconclusive. Since supporting evidence is limited at this time, the clinical significance of this alteration remains unclear.